The following is an entry in ClinVar:

NM_000051.4(ATM):c.7576A>G (p.Arg2526Gly)

Genes: ATM (ATM serine/threonine kinase; plus strand), C11orf65 (chromosome 11 open reading frame 65; minus strand). Cytogenetic location: 11q22.3.
Variant type: single nucleotide variant.
Coding change: c.7576A>G on transcript NM_000051.4 (MANE Select); coding-DNA position 7576, A replaced by G.
Protein change: p.Arg2526Gly; replaces arginine 2526 with glycine.
Molecular consequence: missense variant. On other transcripts: non-coding transcript variant (1), intron variant (2).
Genome position (GRCh38, 1-based): chr11:108,331,504, A>G. VCF-style: chr11-108331504-A-G. GRCh37 (hg19) VCF-style: chr11-108202231-A-G.
Other names: c.7576A>G, p.Arg2526Gly (NM_001351834.2); c.641-22433T>C (NM_001330368.2); c.*38+3716T>C (NM_001351110.2); short protein forms R2526G.
Identifiers: ClinVar variation 827131 (VCV000827131.15), dbSNP rs1591167721, ClinGen allele CA382560759.

ClinVar aggregate classification (germline): Uncertain significance. Review status: criteria provided, multiple submitters, no conflicts (2 of 4 stars). 2 submissions from 2 submitters: Uncertain significance (2). Last evaluated 2025-05-02.

Conditions:
Hereditary cancer-predisposing syndrome. Also called: Tumor predisposition; Neoplastic Syndromes, Hereditary; Hereditary Cancer Syndrome; Hereditary neoplastic syndrome. Identifiers: Orphanet 140162, MedGen C0027672, MeSH D009386, MONDO:0015356.
Ataxia-telangiectasia syndrome (AT). Also called: ATAXIA-TELANGIECTASIA, COMPLEMENTATION GROUP A; ATAXIA-TELANGIECTASIA, FRESNO VARIANT; Ataxia-telangiectasia; Ataxia-telangiectasia, complementation group D; AT, COMPLEMENTATION GROUP C; Ataxia-telangiectasia, complementation group E. Identifiers: Orphanet 100, MedGen C0004135, MONDO:0008840, OMIM 208900.

Submissions (2):

Ambry Genetics
Classification: Uncertain significance for Hereditary cancer-predisposing syndrome. Last evaluated: 2025-05-02. Review status: criteria provided, single submitter. Criteria: Ambry Variant Classification Scheme 2023. Collection method: clinical testing. Allele origin: germline.
Comment: The p.R2526G variant (also known as c.7576A>G), located in coding exon 50 of the ATM gene, results from an A to G substitution at nucleotide position 7576. The arginine at codon 2526 is replaced by glycine, an amino acid with dissimilar properties. This amino acid position is highly conserved in available vertebrate species. In addition, this alteration is predicted to be deleterious by in silico analysis. Since supporting evidence is limited at this time, the clinical significance of this alteration remains unclear.

Labcorp Genetics (formerly Invitae), Labcorp
Classification: Uncertain significance for Ataxia-telangiectasia syndrome. Last evaluated: 2023-06-09. Review status: criteria provided, single submitter. Criteria: Invitae Variant Classification Sherloc (09022015). Collection method: clinical testing. Allele origin: germline.
Comment: In summary, the available evidence is currently insufficient to determine the role of this variant in disease. Therefore, it has been classified as a Variant of Uncertain Significance. An algorithm developed to predict the effect of missense changes on protein structure and function (PolyPhen-2) suggests that this variant is likely to be disruptive. This sequence change replaces arginine, which is basic and polar, with glycine, which is neutral and non-polar, at codon 2526 of the ATM protein (p.Arg2526Gly). This variant is not present in population databases (gnomAD no frequency). This variant has not been reported in the literature in individuals affected with ATM-related conditions. ClinVar contains an entry for this variant (Variation ID: 827131).